The following is an entry in ClinVar:

NM_024884.3(L2HGDH):c.1064+5C>T

Gene: L2HGDH (L-2-hydroxyglutarate dehydrogenase; minus strand). Cytogenetic location: 14q21.3.
Variant type: single nucleotide variant.
Coding change: c.1064+5C>T on transcript NM_024884.3 (MANE Select); 5 bases into the intron after coding-DNA position 1064, C replaced by T.
Molecular consequence: intron variant.
Genome position (GRCh38, 1-based): chr14:50,267,748, G>A on the plus strand (C>T on the coding strand, the complement: L2HGDH is on the minus strand). VCF-style: chr14-50267748-G-A. GRCh37 (hg19) VCF-style: chr14-50734466-G-A.
Other names: c.1064+5C>T (NM_024884.2).
Identifiers: ClinVar variation 1095963 (VCV001095963.12), dbSNP rs77236437, ClinGen allele CA7177819.
Genomic context (GRCh38, chr14:50,267,748, plus strand): 5'-AGACAAAACTTCCCACATTGAAAATATAAGCACATAAAATCATTTTTAAAAATAAATAAT[G>A]TTACCTATTGATAATTATATCCATAACATCTGTGGCACTGAAGTCAAAGGGTCTGTAACC-3'

ClinVar aggregate classification (germline): Likely benign. Review status: criteria provided, multiple submitters, no conflicts (2 of 4 stars). 3 submissions from 3 submitters: Likely benign (2). 1 of the submissions does not count toward it. Last evaluated 2025-12-08.

Conditions:
L2HGDH-related disorder. Also called: L2HGDH-related condition.
L-2-hydroxyglutaric aciduria (L2HGA). Identifiers: Orphanet 79314, MedGen C1855995, MONDO:0009370, OMIM 236792, HP:0040144.

Allele frequency attached by ClinVar (database versions not stated): gnomAD exomes 0.00010 and 0.00029; ExAC 0.00040; 1000 Genomes Project 0.00120; gnomAD 0.00120 and 0.00130; ESP Exome Variant Server 0.00131; TOPMed 0.00132; 1000 Genomes Project 30x 0.00141.
gnomAD v4.1: 322 of 1,596,946 alleles (0.02%); highest among the groups gnomAD compares: African/African-American, 0.4%; no homozygotes.

Submissions (3):

Labcorp Genetics (formerly Invitae), Labcorp
Classification: Likely benign for L-2-hydroxyglutaric aciduria. Last evaluated: 2025-12-08. Review status: criteria provided, single submitter. Criteria: Invitae Variant Classification Sherloc (09022015). Collection method: clinical testing. Allele origin: germline.

Blueprint Genetics
Classification: Likely benign. Last evaluated: 2024-06-11. Review status: criteria provided, single submitter. Criteria: ACMG Guidelines, 2015. Collection method: clinical testing. Allele origin: germline.

PreventionGenetics, part of Exact Sciences
Classification: Likely benign for L2HGDH-related condition. Last evaluated: 2019-08-28. Review status: no assertion criteria provided. Collection method: clinical testing. Allele origin: germline. Not counted in ClinVar's aggregate classification.
Comment: This variant is classified as likely benign based on ACMG/AMP sequence variant interpretation guidelines (Richards et al. 2015 PMID: 25741868, with internal and published modifications).